The following is an entry in ClinVar:

NM_033305.3(VPS13A):c.8848_8860del (p.Asn2950fs)

Gene: VPS13A (vacuolar protein sorting 13 homolog A; plus strand). Cytogenetic location: 9q21.2.
Variant type: Deletion.
Coding change: c.8848_8860del on transcript NM_033305.3 (MANE Select); coding-DNA positions 8848 to 8860, 13 bases deleted (AATAAGCAACCAG).
Protein change: p.Asn2950fs; shifts the reading frame from asparagine 2950.
Molecular consequence: frameshift variant.
Genome position (GRCh38, 1-based): chr9:77,370,519-77,370,531, AATAAGCAACCAG deleted; deleting any 13 consecutive bases within chr9:77,370,518-77,370,531 gives the same sequence; the c. name uses the placement nearest the transcript's 3' end. VCF-style (leftmost placement, unchanged base first): chr9-77370517-TGAATAAGCAACCA-T. GRCh37 (hg19) VCF-style: chr9-79985433-TGAATAAGCAACCA-T.
Other names: c.8731_8743del, p.Asn2911fs (NM_001018037.2); c.8848_8860del, p.Asn2950fs (NM_001018038.3, NM_015186.4); short protein forms N2911fs, N2950fs.
Identifiers: ClinVar variation 969334 (VCV000969334.10), dbSNP rs1832691674, ClinGen allele CA1139661000.

ClinVar aggregate classification (germline): Pathogenic. Review status: criteria provided, multiple submitters, no conflicts (2 of 4 stars). 2 submissions from 2 submitters: Pathogenic (2). Last evaluated 2024-05-14.

Conditions:
VPS13A-related neurodegenerative disease. Also called: Choreoacanthocytosis; Chorea-acanthocytosis; Choreaacanthocytosis; LEVINE-CRITCHLEY SYNDROME; VPS13A Disease; ACANTHOCYTOSIS WITH NEUROLOGIC DISORDER. Identifiers: Orphanet 2388, MedGen C0393576, MONDO:0008695, OMIM 200150.

Submissions (2):

Myriad Genetics, Inc.
Classification: Pathogenic for VPS13A-related neurodegenerative disease. Last evaluated: 2024-05-14. Review status: criteria provided, single submitter. Criteria: Myriad Autosomal Dominant, Autosomal Recessive and X-Linked Classification Criteria (2023). Collection method: clinical testing. Allele origin: unknown.
Comment: NM_033305.2(VPS13A):c.8848_8860del13(N2950Lfs*14) is expected to be pathogenic in the context of VPS13A disease. This variant is predicted to lead to an abnormal or absent protein product due to the creation of a premature termination codon in VPS13A, a gene where loss-of-function variants are known to be pathogenic. Please note: this variant was assessed in the context of healthy population screening.

Labcorp Genetics (formerly Invitae), Labcorp
Classification: Pathogenic. Last evaluated: 2019-10-16. Review status: criteria provided, single submitter. Criteria: Invitae Variant Classification Sherloc (09022015). Collection method: clinical testing. Allele origin: germline.
Comment: This variant is not present in population databases (ExAC no frequency). This sequence change creates a premature translational stop signal (p.Asn2950Leufs*14) in the VPS13A gene. It is expected to result in an absent or disrupted protein product. This variant has been observed in an individual affected with chorea-acanthocytosis (PMID: 21598378). Loss-of-function variants in VPS13A are known to be pathogenic (PMID: 12404112, 21598378). For these reasons, this variant has been classified as Pathogenic.

Literature cited by the submitters: PubMed 21598378 (cited by Labcorp Genetics (formerly Invitae), Labcorp); PubMed 12404112 (cited by Labcorp Genetics (formerly Invitae), Labcorp).